The following is an entry in ClinVar:

NM_138713.4(NFAT5):c.2861C>T (p.Ser954Phe)

Gene: NFAT5 (nuclear factor of activated T cells 5; plus strand). Cytogenetic location: 16q22.1.
Variant type: single nucleotide variant.
Coding change: c.2861C>T on transcript NM_138713.4 (MANE Select); coding-DNA position 2861, C replaced by T.
Protein change: p.Ser954Phe; replaces serine 954 with phenylalanine.
Molecular consequence: missense variant.
Genome position (GRCh38, 1-based): chr16:69,692,686, C>T. VCF-style: chr16-69692686-C-T. GRCh37 (hg19) VCF-style: chr16-69726589-C-T.
Other names: c.2858C>T, p.Ser953Phe (NM_001113178.3); c.2186C>T, p.Ser729Phe (NM_001367709.1); c.2807C>T, p.Ser936Phe (NM_006599.4); c.2579C>T, p.Ser860Phe (NM_138714.4, NM_173214.3, NM_173215.3); short protein forms S954F, S729F, S953F, S860F, S936F.
Identifiers: ClinVar variation 3690326 (VCV003690326.2).

ClinVar aggregate classification (germline): Uncertain significance (1 of 4 stars; one submission).

Conditions:
Immunodeficiency. Identifiers: MedGen C0021051, MONDO:0021094, HP:0002721.

Submission:

Labcorp Genetics (formerly Invitae), Labcorp
Classification: Uncertain significance for Immunodeficiency. Last evaluated: 2024-05-02. Review status: criteria provided, single submitter. Criteria: Invitae Variant Classification Sherloc (09022015). Collection method: clinical testing. Allele origin: germline.
Comment: This sequence change replaces serine, which is neutral and polar, with phenylalanine, which is neutral and non-polar, at codon 860 of the NFAT5 protein (p.Ser860Phe). This variant is not present in population databases (gnomAD no frequency). This variant has not been reported in the literature in individuals affected with NFAT5-related conditions. An algorithm developed to predict the effect of missense changes on protein structure and function (PolyPhen-2) suggests that this variant is likely to be disruptive. In summary, the available evidence is currently insufficient to determine the role of this variant in disease. Therefore, it has been classified as a Variant of Uncertain Significance.